The following is an entry in ClinVar:

ClinVar aggregate classification (germline): Likely pathogenic. Review status: criteria provided, multiple submitters, no conflicts (2 of 4 stars). 2 submissions from 2 submitters: Likely pathogenic (2). Last evaluated 2024-05-06.

Conditions:
Hyperammonemia, type III (NAGSD). Also called: Hyperammonemia due to N-acetylglutamate synthase deficiency. Identifiers: Orphanet 927, MedGen C0268543, MONDO:0009377, OMIM 237310.

Submissions (2):

Fulgent Genetics
Classification: Likely pathogenic for Hyperammonemia, type III. Last evaluated: 2024-05-06. Review status: criteria provided, single submitter. Criteria: ACMG Guidelines, 2015. Collection method: clinical testing. Allele origin: germline.

Labcorp Genetics (formerly Invitae), Labcorp
Classification: Likely pathogenic for Hyperammonemia, type III. Last evaluated: 2020-08-02. Review status: criteria provided, single submitter. Criteria: Invitae Variant Classification Sherloc (09022015). Collection method: clinical testing. Allele origin: germline.
Comment: In summary, the currently available evidence indicates that the variant is pathogenic, but additional data are needed to prove that conclusively. Therefore, this variant has been classified as Likely Pathogenic. This sequence change results in a premature translational stop signal in the NAGS gene (p.Phe472Leufs*18). While this is not anticipated to result in nonsense mediated decay, it is expected to disrupt the last 63 amino acids of the NAGS protein. This variant is not present in population databases (ExAC no frequency). This variant has not been reported in the literature in individuals with NAGS-related conditions. This variant disrupts the p.Trp484 amino acid residue in NAGS. Other variant(s) that disrupt this residue have been determined to be pathogenic (PMID:15858972, 27037498, 24233332). This suggests that this residue is clinically significant, and that variants that disrupt this residue are likely to be disease-causing.

Literature cited by the submitters: PubMed 15858972 (cited by Labcorp Genetics (formerly Invitae), Labcorp); PubMed 27037498 (cited by Labcorp Genetics (formerly Invitae), Labcorp); PubMed 24233332 (cited by Labcorp Genetics (formerly Invitae), Labcorp).

NM_153006.3(NAGS):c.1414_1415del (p.Phe472fs)

Gene: NAGS (N-acetylglutamate synthase; plus strand). Cytogenetic location: 17q21.31.
Variant type: Deletion.
Coding change: c.1414_1415del on transcript NM_153006.3 (MANE Select); coding-DNA positions 1414 to 1415, 2 bases deleted (TT; older notation c.1414_1415delTT).
Protein change: p.Phe472fs; shifts the reading frame from phenylalanine 472.
Molecular consequence: frameshift variant.
Genome position (GRCh38, 1-based): chr17:44,007,736-44,007,737, TT deleted; deleting any 2 consecutive bases within chr17:44,007,734-44,007,737 gives the same sequence; the c. name uses the placement nearest the transcript's 3' end. VCF-style (leftmost placement, unchanged base first): chr17-44007733-CTT-C. GRCh37 (hg19) VCF-style: chr17-42085101-CTT-C.
Other names: short protein forms F472fs.
Identifiers: ClinVar variation 1066206 (VCV001066206.10), dbSNP rs2143991359, ClinGen allele CA2499224656.
Genomic context (GRCh38, chr17:44,007,733, plus strand): 5'-CGCCAGGGCCAAGGCTCCGGCCAGATGCTGTGGGAGTGCCTGCGGCGGGACCTTCAGACA[CTT>C]TTCTGGCGCTCCCGGGTCACCAACCCCATCAATCCCTGGTAGGTCCTGCCACTCCCAGCT-3'